The following is an entry in ClinVar:

NM_213599.3(ANO5):c.358A>C (p.Lys120Gln)

Gene: ANO5 (anoctamin 5; plus strand). Cytogenetic location: 11p14.3.
Variant type: single nucleotide variant.
Coding change: c.358A>C on transcript NM_213599.3 (MANE Select); coding-DNA position 358, A replaced by C.
Protein change: p.Lys120Gln; replaces lysine 120 with glutamine.
Molecular consequence: missense variant.
Genome position (GRCh38, 1-based): chr11:22,226,047, A>C. VCF-style: chr11-22226047-A-C. GRCh37 (hg19) VCF-style: chr11-22247593-A-C.
Other names: c.355A>C, p.Lys119Gln (NM_001142649.2); c.316A>C, p.Lys106Gln (NM_001410963.1); c.313A>C, p.Lys105Gln (NM_001410964.1); short protein forms K106Q, K105Q, K119Q, K120Q.
Identifiers: ClinVar variation 2000416 (VCV002000416.4), dbSNP rs2494142013, ClinGen allele CA379919213.

ClinVar aggregate classification (germline): Uncertain significance (1 of 4 stars; one submission).

Conditions:
Gnathodiaphyseal dysplasia (GDD). Also called: GNATHODIAPHYSEAL SCLEROSIS; OSTEOGENESIS IMPERFECTA WITH UNUSUAL SKELETAL LESIONS. Identifiers: Orphanet 53697, MedGen C1833736, MONDO:0008151, OMIM 166260.
Autosomal recessive limb-girdle muscular dystrophy type 2L (LGMDR12). Also called: MUSCULAR DYSTROPHY, LIMB-GIRDLE, AUTOSOMAL RECESSIVE 12; Limb-girdle muscular dystrophy, type 2L; Limb-Girdle Muscular Dystrophy R12 Anoctamin-5-Related (LGMD-R12). Identifiers: Orphanet 206549, MedGen C1969785, MONDO:0012652, OMIM 611307.

Allele frequency attached by ClinVar (database versions not stated): gnomAD exomes below 0.00001.
gnomAD v4.1: 1 of 1,601,790 alleles (0.000062%); highest among the groups gnomAD compares: Non-Finnish European, 0.000086%; no homozygotes.

Submission:

Labcorp Genetics (formerly Invitae), Labcorp
Classification: Uncertain significance for Autosomal recessive limb-girdle muscular dystrophy type 2L; Gnathodiaphyseal dysplasia. Last evaluated: 2022-10-25. Review status: criteria provided, single submitter. Criteria: Invitae Variant Classification Sherloc (09022015). Collection method: clinical testing. Allele origin: germline.
Comment: This sequence change replaces lysine, which is basic and polar, with glutamine, which is neutral and polar, at codon 120 of the ANO5 protein (p.Lys120Gln). This variant is not present in population databases (gnomAD no frequency). This variant has not been reported in the literature in individuals affected with ANO5-related conditions. Advanced modeling of protein sequence and biophysical properties (such as structural, functional, and spatial information, amino acid conservation, physicochemical variation, residue mobility, and thermodynamic stability) performed at Invitae indicates that this missense variant is expected to disrupt ANO5 protein function. In summary, the available evidence is currently insufficient to determine the role of this variant in disease. Therefore, it has been classified as a Variant of Uncertain Significance.